The following is an entry in ClinVar:

NM_000222.3(KIT):c.2266A>G (p.Ile756Val)

Gene: KIT (KIT proto-oncogene, receptor tyrosine kinase; plus strand). Cytogenetic location: 4q12.
Variant type: single nucleotide variant.
Coding change: c.2266A>G on transcript NM_000222.3 (MANE Select); coding-DNA position 2266, A replaced by G.
Protein change: p.Ile756Val; replaces isoleucine 756 with valine.
Molecular consequence: missense variant.
Genome position (GRCh38, 1-based): chr4:54,731,903, A>G. VCF-style: chr4-54731903-A-G. GRCh37 (hg19) VCF-style: chr4-55598069-A-G.
Other names: c.2254A>G, p.Ile752Val (NM_001093772.2, NM_001385292.1); c.2269A>G, p.Ile757Val (NM_001385284.1); c.2263A>G, p.Ile755Val (NM_001385285.1); c.2251A>G, p.Ile751Val (NM_001385286.1); c.2257A>G, p.Ile753Val (NM_001385288.1); c.2266A>G, p.Ile756Val (NM_001385290.1); short protein forms I756V, I752V, I751V, I753V, I755V, I757V.
Identifiers: ClinVar variation 528534 (VCV000528534.13), dbSNP rs779862483, ClinGen allele CA2923707.

ClinVar aggregate classification (germline): Uncertain significance. Review status: criteria provided, multiple submitters, no conflicts (2 of 4 stars). 2 submissions from 2 submitters: Uncertain significance (2). Last evaluated 2025-12-18.

Conditions:
Hereditary cancer-predisposing syndrome. Also called: Tumor predisposition; Hereditary neoplastic syndrome; Hereditary Cancer Syndrome; Neoplastic Syndromes, Hereditary. Identifiers: Orphanet 140162, MedGen C0027672, MeSH D009386, MONDO:0015356.
Gastrointestinal stromal tumor. Also called: Gastrointestinal stroma tumor; Gastrointestinal stromal tumor, somatic. Identifiers: Orphanet 44890, MedGen C0238198, MeSH D046152, MONDO:0011719, OMIM 606764, HP:0100723.

Allele frequency attached by ClinVar (database versions not stated): gnomAD exomes below 0.00001 and 0.00001; ExAC 0.00001; gnomAD 0.00002; TOPMed 0.00003.
gnomAD v4.1: 8 of 1,613,572 alleles (0.0005%); highest among the groups gnomAD compares: African/African-American, 0.004%; no homozygotes.

Submissions (2):

Labcorp Genetics (formerly Invitae), Labcorp
Classification: Uncertain significance for Gastrointestinal stromal tumor. Last evaluated: 2025-12-18. Review status: criteria provided, single submitter. Criteria: Invitae Variant Classification Sherloc (09022015). Collection method: clinical testing. Allele origin: germline.
Comment: This sequence change replaces isoleucine, which is neutral and non-polar, with valine, which is neutral and non-polar, at codon 756 of the KIT protein (p.Ile756Val). This variant is present in population databases (rs779862483, gnomAD 0.0009%). This variant has not been reported in the literature in individuals affected with KIT-related conditions. ClinVar contains an entry for this variant (Variation ID: 528534). An algorithm developed to predict the effect of missense changes on protein structure and function outputs the following: PolyPhen-2: "Benign". The valine amino acid residue is found in multiple mammalian species, which suggests that this missense change does not adversely affect protein function. In summary, the available evidence is currently insufficient to determine the role of this variant in disease. Therefore, it has been classified as a Variant of Uncertain Significance.

Ambry Genetics
Classification: Uncertain significance for Hereditary cancer-predisposing syndrome. Last evaluated: 2025-01-23. Review status: criteria provided, single submitter. Criteria: Ambry Variant Classification Scheme 2023. Collection method: clinical testing. Allele origin: germline.
Comment: The p.I756V variant (also known as c.2266A>G), located in coding exon 16 of the KIT gene, results from an A to G substitution at nucleotide position 2266. The isoleucine at codon 756 is replaced by valine, an amino acid with highly similar properties. This amino acid position is conserved. In addition, this alteration is predicted to be tolerated by in silico analysis. Since supporting evidence is limited at this time, the clinical significance of this alteration remains unclear.